The following is an entry in ClinVar:

NM_016366.3(CABP2):c.392T>C (p.Val131Ala)

Gene: CABP2 (calcium binding protein 2; minus strand). Cytogenetic location: 11q13.2.
Variant type: single nucleotide variant.
Coding change: c.392T>C on transcript NM_016366.3 (MANE Select); coding-DNA position 392, T replaced by C.
Protein change: p.Val131Ala; replaces valine 131 with alanine.
Molecular consequence: missense variant.
Genome position (GRCh38, 1-based): chr11:67,520,148, A>G on the plus strand (T>C on the coding strand, the complement: CABP2 is on the minus strand). VCF-style: chr11-67520148-A-G. GRCh37 (hg19) VCF-style: chr11-67287619-A-G.
Other names: c.392T>C (NM_016366.2); c.410T>C, p.Val137Ala (NM_001318496.2); short protein forms V137A, V131A.
Identifiers: ClinVar variation 2018072 (VCV002018072.6), dbSNP rs1252322891, ClinGen allele CA381514835.

ClinVar aggregate classification (germline): Uncertain significance. Review status: criteria provided, multiple submitters, no conflicts (2 of 4 stars). 3 submissions from 3 submitters: Uncertain significance (3). Last evaluated 2024-09-11.

Conditions:
Inborn genetic diseases. Identifiers: MedGen C0950123, MeSH D030342.

gnomAD v4.1: 3 of 1,612,726 alleles (0.00019%); highest among the groups gnomAD compares: Admixed American, 0.005%; no homozygotes.

Submissions (3):

Ambry Genetics
Classification: Uncertain significance for Inborn genetic diseases. Last evaluated: 2024-09-11. Review status: criteria provided, single submitter. Criteria: Ambry Variant Classification Scheme 2023. Collection method: clinical testing. Allele origin: germline.

GeneDx
Classification: Uncertain significance. Last evaluated: 2022-12-21. Review status: criteria provided, single submitter. Criteria: GeneDx Variant Classification Process June 2021. Collection method: clinical testing. Allele origin: germline. Affected: yes.
Comment: In silico analysis supports that this missense variant has a deleterious effect on protein structure/function; Has not been previously published as pathogenic or benign to our knowledge

Labcorp Genetics (formerly Invitae), Labcorp
Classification: Uncertain significance. Last evaluated: 2022-07-19. Review status: criteria provided, single submitter. Criteria: Invitae Variant Classification Sherloc (09022015). Collection method: clinical testing. Allele origin: germline.
Comment: In summary, the available evidence is currently insufficient to determine the role of this variant in disease. Therefore, it has been classified as a Variant of Uncertain Significance. Algorithms developed to predict the effect of missense changes on protein structure and function (SIFT, PolyPhen-2, Align-GVGD) all suggest that this variant is likely to be disruptive. This variant has not been reported in the literature in individuals affected with CABP2-related conditions. This variant is present in population databases (no rsID available, gnomAD 0.009%). This sequence change replaces valine, which is neutral and non-polar, with alanine, which is neutral and non-polar, at codon 131 of the CABP2 protein (p.Val131Ala).